The following is an entry in ClinVar:

NM_032043.3(BRIP1):c.2457T>C (p.Ile819=)

Gene: BRIP1 (BRCA1 interacting DNA helicase 1; minus strand). Cytogenetic location: 17q23.2.
Variant type: single nucleotide variant.
Coding change: c.2457T>C on transcript NM_032043.3 (MANE Select); coding-DNA position 2457, T replaced by C.
Protein change: p.Ile819=; no amino-acid change (isoleucine 819 retained).
Molecular consequence: synonymous variant.
Genome position (GRCh38, 1-based): chr17:61,715,986, A>G on the plus strand (T>C on the coding strand, the complement: BRIP1 is on the minus strand). VCF-style: chr17-61715986-A-G. GRCh37 (hg19) VCF-style: chr17-59793347-A-G.
Identifiers: ClinVar variation 1791562 (VCV001791562.3), dbSNP rs1267906962, ClinGen allele CA501150501.

ClinVar aggregate classification (germline): Benign/Likely benign. Review status: criteria provided, multiple submitters, no conflicts (2 of 4 stars). 2 submissions from 2 submitters: Benign (1); Likely benign (1). Last evaluated 2024-09-05.

Conditions:
Hereditary cancer-predisposing syndrome. Also called: Hereditary Cancer Syndrome; Hereditary neoplastic syndrome; Tumor predisposition; Neoplastic Syndromes, Hereditary. Identifiers: Orphanet 140162, MedGen C0027672, MeSH D009386, MONDO:0015356.
Familial cancer of breast. Also called: BREAST CANCER, FAMILIAL; Hereditary breast cancer; hereditary breast carcinoma. Identifiers: Orphanet 227535, MedGen C0346153, MONDO:0016419, OMIM 114480. Disease mechanism: loss of function.

Allele frequency attached by ClinVar (database versions not stated): gnomAD exomes 0.00001.
gnomAD v4.1: 11 of 1,608,592 alleles (0.00068%); highest among the groups gnomAD compares: Non-Finnish European, 0.000085%; no homozygotes.

Submissions (2):

Myriad Genetics, Inc.
Classification: Benign for Familial cancer of breast. Last evaluated: 2024-09-05. Review status: criteria provided, single submitter. Criteria: Myriad Autosomal Dominant, Autosomal Recessive and X-Linked Classification Criteria (2023). Collection method: clinical testing. Allele origin: unknown.
Comment: This variant is considered benign. This variant is a silent/synonymous amino acid change and it is not expected to impact splicing.

Ambry Genetics
Classification: Likely benign for Hereditary cancer-predisposing syndrome. Last evaluated: 2020-01-15. Review status: criteria provided, single submitter. Criteria: Ambry Variant Classification Scheme 2023. Collection method: clinical testing. Allele origin: germline.